The following is an entry in ClinVar:

ClinVar aggregate classification (germline): Benign. Review status: reviewed by expert panel (3 of 4 stars). 17 submissions from 16 submitters: Benign (1). 16 of the submissions do not count toward it. Last evaluated 2022-06-06.

Conditions:
Inborn genetic diseases. Identifiers: MedGen C0950123, MeSH D030342.
Fanconi renotubular syndrome 1. Also called: FRTS1; LUDER-SHELDON SYNDROME; Toni-Debre-Fanconi syndrome; Neonatal De Toni-Debre-Fanconi syndrome; De Toni-Fanconi syndrome. Identifiers: MedGen C4551503, MONDO:0024525, OMIM 134600.
Arginine:glycine amidinotransferase deficiency (CCDS3). Also called: L-Arginine:Glycine Amidinotransferase Deficiency; L-Arginine:Glycine Amidinotransferase (AGAT) Deficiency; AGAT deficiency; Creatine deficiency syndrome due to AGAT deficiency; GATM deficiency; Cerebral creatine deficiency syndrome 3. Identifiers: Orphanet 35704, MedGen C2675179, MONDO:0012996, OMIM 612718.

Allele frequency attached by ClinVar (database versions not stated): gnomAD exomes 0.42874 and 0.53558; ExAC 0.53293; ESP Exome Variant Server 0.53394; TOPMed 0.59227; 1000 Genomes Project 0.71765; gnomAD 0.55793 and 0.56264; 1000 Genomes Project 30x 0.71705.
gnomAD v4.1: 712,851 of 1,609,502 alleles (44%); highest among the groups gnomAD compares: East Asian, 93%; 176,650 homozygotes.

Submissions (17):

ClinGen Cerebral Creatine Deficiency Syndromes Variant Curation Expert Panel, ClinGen
Classification: Benign for Arginine:glycine amidinotransferase deficiency. Last evaluated: 2022-06-06. Review status: reviewed by expert panel. Criteria: ClinGen_CCDS_ACMG_Specifications_GATM_v1.1. Collection method: curation. Allele origin: germline. Inheritance: Autosomal recessive inheritance.
Comment: The NM_001482.3:c.1252T>C (p.Leu418=) variant in GATM is a synonymous (silent) variant that is not predicted by SpliceAI to impact splicing. In addition, it occurs at a nucleotide that is not conserved as shown by PhyloP (BP7). The highest population minor allele frequency in gnomAD v2.1.1 is 0.9186 (18317/19940 alleles) in the East Asian population, which is higher than the ClinGen CCDS VCEP’s threshold for BA1 (>0.0005), and therefore meets this criterion (BA1). The computational splicing predictor SpliceAI gives a score of 0.0 for donor and acceptor loss suggesting that the variant has no impact on splicing, and the nucleotide is not highly conserved (BP4, BP7). There is a ClinVar entry for this variant (Variation ID: 129137). In summary, this variant meets the criteria to be classified as benign for AGAT deficiency based on the ACMG/AMP criteria applied, as specified by the ClinGen Cerebral Creatine Deficiency Syndromes Variant Curation Expert Panel (Specifications Version 1.1.0): BA1, BP4, BP7. (Classification approved by the ClinGen CCDS VCEP on June 6, 2022).

Labcorp Genetics (formerly Invitae), Labcorp
Classification: Benign for Arginine:glycine amidinotransferase deficiency. Last evaluated: 2026-02-04. Review status: criteria provided, single submitter. Criteria: Invitae Variant Classification Sherloc (09022015). Collection method: clinical testing. Allele origin: germline. Not counted in ClinVar's aggregate classification.

Unidad de Genómica Garrahan, Hospital de Pediatría Garrahan
Classification: Benign. Last evaluated: 2024-07-15. Review status: criteria provided, single submitter. Criteria: ACMG Guidelines, 2015. Collection method: clinical testing. Allele origin: germline. Affected: no. Observed: 78 variant alleles. Not counted in ClinVar's aggregate classification.
Comment: This variant is classified as Benign based on local population frequency. This variant was detected in 84% of patients studied in a panel designed for Epileptic and Developmental Encephalopathy and Progressive Myoclonus Epilepsy. Number of patients: 78. Only high quality variants are reported.

Genome-Nilou Lab
Classification: Benign for Arginine:glycine amidinotransferase deficiency. Last evaluated: 2021-08-10. Review status: criteria provided, single submitter. Criteria: ACMG Guidelines, 2015. Collection method: clinical testing. Allele origin: germline. Affected: no. Not counted in ClinVar's aggregate classification.

Genome-Nilou Lab
Classification: Benign for Fanconi renotubular syndrome 1. Last evaluated: 2021-08-10. Review status: criteria provided, single submitter. Criteria: ACMG Guidelines, 2015. Collection method: clinical testing. Allele origin: germline. Affected: no. Not counted in ClinVar's aggregate classification.

ARUP Laboratories, Molecular Genetics and Genomics, ARUP Laboratories
Classification: Benign. Last evaluated: 2020-07-29. Review status: criteria provided, single submitter. Criteria: ARUP Molecular Germline Variant Investigation Process. Collection method: clinical testing. Allele origin: germline. Not counted in ClinVar's aggregate classification.

Mayo Clinic Laboratories, Mayo Clinic
Classification: Benign. Last evaluated: 2018-04-02. Review status: criteria provided, single submitter. Criteria: ACMG Guidelines, 2015. Collection method: clinical testing. Allele origin: germline. Observed: 431 variant alleles. Not counted in ClinVar's aggregate classification.

Illumina Laboratory Services, Illumina
Classification: Benign for Arginine:glycine amidinotransferase deficiency. Last evaluated: 2018-01-12. Review status: criteria provided, single submitter. Criteria: ICSL Variant Classification Criteria 13 December 2019. Collection method: clinical testing. Allele origin: germline. Not counted in ClinVar's aggregate classification.
Comment: This variant was observed in the ICSL laboratory as part of a predisposition screen in an ostensibly healthy population. It had not been previously curated by ICSL or reported in the Human Gene Mutation Database (HGMD: prior to June 1st, 2018), and was therefore a candidate for classification through an automated scoring system. Utilizing variant allele frequency, disease prevalence and penetrance estimates, and inheritance mode, an automated score was calculated to assess if this variant is too frequent to cause the disease. Based on the score and internal cut-off values, a variant classified as benign is not then subjected to further curation. The score for this variant resulted in a classification of benign for this disease.

Athena Diagnostics
Classification: Benign. Last evaluated: 2017-04-20. Review status: criteria provided, single submitter. Criteria: Athena Diagnostics Criteria. Collection method: clinical testing. Allele origin: germline. Not counted in ClinVar's aggregate classification.

Ambry Genetics
Classification: Benign for Inborn genetic diseases. Last evaluated: 2016-01-08. Review status: criteria provided, single submitter. Criteria: Ambry Variant Classification Scheme 2023. Collection method: clinical testing. Allele origin: germline. Not counted in ClinVar's aggregate classification.

GeneDx
Classification: Benign. Last evaluated: 2015-03-03. Review status: criteria provided, single submitter. Criteria: GeneDx Variant Classification Process June 2021. Collection method: clinical testing. Allele origin: germline. Affected: yes. Not counted in ClinVar's aggregate classification.

Breakthrough Genomics
Classification: Benign. Review status: criteria provided, single submitter. Criteria: ACMG Guidelines, 2015. Collection method: not provided. Allele origin: germline. Inheritance: Autosomal recessive inheritance. Affected: yes. Not counted in ClinVar's aggregate classification.

PreventionGenetics, part of Exact Sciences
Classification: Benign. Review status: criteria provided, single submitter. Criteria: ACMG Guidelines, 2015. Collection method: clinical testing. Allele origin: germline. Not counted in ClinVar's aggregate classification.

Clinical Genetics, Academic Medical Center
Classification: Benign. Review status: no assertion criteria provided. Collection method: clinical testing. Allele origin: germline. Affected: yes. Study: VKGL Data-share Consensus. Not counted in ClinVar's aggregate classification.

Diagnostic Laboratory, Department of Genetics, University Medical Center Groningen
Classification: Benign for Arginine:glycine amidinotransferase deficiency. Review status: no assertion criteria provided. Collection method: clinical testing. Allele origin: germline. Affected: yes. Study: VKGL Data-share Consensus. Not counted in ClinVar's aggregate classification.

Genetic Services Laboratory, University of Chicago
Classification: Likely benign for AllHighlyPenetrant. Review status: no assertion criteria provided. Collection method: clinical testing. Allele origin: germline. Inheritance: Autosomal recessive inheritance. Not counted in ClinVar's aggregate classification.
Comment: Likely benign based on allele frequency in 1000 Genomes Project or ESP global frequency and its presence in a patient with a rare or unrelated disease phenotype. NOT Sanger confirmed.

Joint Genome Diagnostic Labs from Nijmegen and Maastricht, Radboudumc and MUMC+
Classification: Benign. Review status: no assertion criteria provided. Collection method: clinical testing. Allele origin: germline. Affected: yes. Study: VKGL Data-share Consensus. Not counted in ClinVar's aggregate classification.

NM_001482.3(GATM):c.1252T>C (p.Leu418=)

Gene: GATM (glycine amidinotransferase; minus strand). Cytogenetic location: 15q21.1.
Variant type: single nucleotide variant.
Coding change: c.1252T>C on transcript NM_001482.3 (MANE Select); coding-DNA position 1252, T replaced by C.
Protein change: p.Leu418=; no amino-acid change (leucine 418 retained).
Molecular consequence: synonymous variant.
Genome position (GRCh38, 1-based): chr15:45,362,129, A>G on the plus strand (T>C on the coding strand, the complement: GATM is on the minus strand). VCF-style: chr15-45362129-A-G. GRCh37 (hg19) VCF-style: chr15-45654327-A-G.
Other names: NM_001482.3(GATM):c.1252T>C; p.Leu418=; c.865T>C, p.Leu289= (NM_001321015.2).
Identifiers: ClinVar variation 129137 (VCV000129137.40), dbSNP rs1145086, ClinGen allele CA152946.